The following is an entry in ClinVar:

ClinVar aggregate classification (germline): Uncertain significance (1 of 4 stars; one submission).

gnomAD v4.1: 1 of 1,612,542 alleles (0.000062%); highest among the groups gnomAD compares: East Asian, 0.0022%; no homozygotes.

Submission:

Dasa
Classification: Uncertain significance. Last evaluated: 2026-03-10. Review status: criteria provided, single submitter. Criteria: DASA Assertion Criteria. Collection method: clinical testing. Allele origin: germline.
Comment: NM_058004.4(PI4KA):c.4868A>G (p.Tyr1623Cys) is a missense variant that results in the substitution of tyrosine with cysteine. The affected residue or protein region has prior evidence supporting clinical relevance. This variant is rare in population databases. Computational prediction algorithms are consistent with a deleterious effect. The currently available literature and clinical evidence are not sufficient to establish a definitive association between this variant and the reported condition. Therefore, this variant is classified as a variant of uncertain significance.

NM_058004.4(PI4KA):c.4868A>G (p.Tyr1623Cys)

Gene: PI4KA (phosphatidylinositol 4-kinase alpha; minus strand). Cytogenetic location: 22q11.21.
Variant type: single nucleotide variant.
Coding change: c.4868A>G on transcript NM_058004.4 (MANE Select); coding-DNA position 4868, A replaced by G.
Protein change: p.Tyr1623Cys; replaces tyrosine 1623 with cysteine.
Molecular consequence: missense variant.
Genome position (GRCh38, 1-based): chr22:20,727,303, T>C on the plus strand (A>G on the coding strand, the complement: PI4KA is on the minus strand). VCF-style: chr22-20727303-T-C. GRCh37 (hg19) VCF-style: chr22-21081591-T-C.
Other names: c.4775A>G, p.Tyr1592Cys (NM_001362862.2); c.4802A>G, p.Tyr1601Cys (NM_001362863.2); short protein forms Y1592C, Y1601C, Y1623C.
Identifiers: ClinVar variation 4883778 (VCV004883778.2).